The following is an entry in ClinVar:

ClinVar aggregate classification (germline): Uncertain significance. Review status: criteria provided, multiple submitters, no conflicts (2 of 4 stars). 3 submissions from 3 submitters: Uncertain significance (3). Last evaluated 2025-10-22.

Conditions:
DCHS1-related congenital anomalies of the kidney and urinary tract.
Inborn genetic diseases. Identifiers: MedGen C0950123, MeSH D030342.

Allele frequency attached by ClinVar (database versions not stated): gnomAD exomes below 0.00001; gnomAD 0.00001; TOPMed 0.00001.
gnomAD v4.1: 3 of 1,602,606 alleles (0.00019%); highest among the groups gnomAD compares: Admixed American, 0.0017%; no homozygotes.

Submissions (3):

Labcorp Genetics (formerly Invitae), Labcorp
Classification: Uncertain significance. Last evaluated: 2025-10-22. Review status: criteria provided, single submitter. Criteria: Invitae Variant Classification Sherloc (09022015). Collection method: clinical testing. Allele origin: germline.
Comment: This sequence change replaces alanine, which is neutral and non-polar, with threonine, which is neutral and polar, at codon 3144 of the DCHS1 protein (p.Ala3144Thr). This variant is not present in population databases (gnomAD no frequency). This variant has not been reported in the literature in individuals affected with DCHS1-related conditions. ClinVar contains an entry for this variant (Variation ID: 2975067). Invitae Evidence Modeling of protein sequence and biophysical properties (such as structural, functional, and spatial information, amino acid conservation, physicochemical variation, residue mobility, and thermodynamic stability) indicates that this missense variant is not expected to disrupt DCHS1 protein function with a negative predictive value of 80%. In summary, the available evidence is currently insufficient to determine the role of this variant in disease. Therefore, it has been classified as a Variant of Uncertain Significance.

Ambry Genetics
Classification: Uncertain significance for Inborn genetic diseases. Last evaluated: 2025-05-20. Review status: criteria provided, single submitter. Criteria: Ambry Variant Classification Scheme 2023. Collection method: clinical testing. Allele origin: germline.

University of Washington Department of Laboratory Medicine, University of Washington
Classification: Uncertain significance for DCHS1-related congenital anomalies of the kidney and urinary tract. Last evaluated: 2021-12-21. Review status: criteria provided, single submitter. Criteria: ACMG Guidelines, 2015. Collection method: clinical testing. Allele origin: unknown. Affected: yes.
Comment: The p.Ala3144Thr variant in the DCHS1 gene has not been previously reported in association with disease and was absent from large population databases, including the Genome Aggregation Database. In silico tools predict that the p.Ala3144Thr variant does not impact protein function; however, these predictions have not been tested directly. Using ACMG guidelines, this variant was classified as a variant of uncertain significance (ACMG evidence codes used: PM2_supporting, BP4).

NM_003737.4(DCHS1):c.9430G>A (p.Ala3144Thr)

Gene: DCHS1 (dachsous cadherin-related 1; minus strand). Cytogenetic location: 11p15.4.
Variant type: single nucleotide variant.
Coding change: c.9430G>A on transcript NM_003737.4 (MANE Select); coding-DNA position 9430, G replaced by A.
Protein change: p.Ala3144Thr; replaces alanine 3144 with threonine.
Molecular consequence: missense variant.
Genome position (GRCh38, 1-based): chr11:6,622,246, C>T on the plus strand (G>A on the coding strand, the complement: DCHS1 is on the minus strand). VCF-style: chr11-6622246-C-T. GRCh37 (hg19) VCF-style: chr11-6643477-C-T.
Other names: c.9430G>A (NM_003737.3, NM_003737.2); short protein forms A3144T.
Identifiers: ClinVar variation 2975067 (VCV002975067.5), dbSNP rs919429958, ClinGen allele CA217329066.
Genomic context (GRCh38, chr11:6,622,246, plus strand): 5'-CCCAGTTATAGCTGCCACGGAGCTCCTCCTCGCCGGCCACAATGGCTGTCAGCGCACCTG[C>T]CACACATGGCTTGCCATCTGCTGGGAAGCCATAGTCCCCAGTGGGTGCAGGGCTCAGGCC-3'
Protein context (NP_003728.1, residues 3134-3154): GFPADGKPCV[Ala3144Thr]GALTAIVAGE